The following is an entry in ClinVar:

NM_138713.4(NFAT5):c.4216A>G (p.Ile1406Val)

Gene: NFAT5 (nuclear factor of activated T cells 5; plus strand). Cytogenetic location: 16q22.1.
Variant type: single nucleotide variant.
Coding change: c.4216A>G on transcript NM_138713.4 (MANE Select); coding-DNA position 4216, A replaced by G.
Protein change: p.Ile1406Val; replaces isoleucine 1406 with valine.
Molecular consequence: missense variant.
Genome position (GRCh38, 1-based): chr16:69,694,041, A>G. VCF-style: chr16-69694041-A-G. GRCh37 (hg19) VCF-style: chr16-69727944-A-G.
Other names: c.4213A>G, p.Ile1405Val (NM_001113178.3); c.3541A>G, p.Ile1181Val (NM_001367709.1); c.4162A>G, p.Ile1388Val (NM_006599.4); c.3934A>G, p.Ile1312Val (NM_138714.4, NM_173214.3, NM_173215.3); short protein forms I1388V, I1312V, I1181V, I1405V, I1406V.
Identifiers: ClinVar variation 960579 (VCV000960579.9), dbSNP rs2037669112, ClinGen allele CA396515230.

ClinVar aggregate classification (germline): Uncertain significance (1 of 4 stars; one submission).

Conditions:
Immunodeficiency. Identifiers: MedGen C0021051, MONDO:0021094, HP:0002721.

Submission:

Labcorp Genetics (formerly Invitae), Labcorp
Classification: Uncertain significance for Immunodeficiency. Last evaluated: 2022-03-03. Review status: criteria provided, single submitter. Criteria: Invitae Variant Classification Sherloc (09022015). Collection method: clinical testing. Allele origin: germline.
Comment: In summary, the available evidence is currently insufficient to determine the role of this variant in disease. Therefore, it has been classified as a Variant of Uncertain Significance. Algorithms developed to predict the effect of missense changes on protein structure and function (SIFT, PolyPhen-2, Align-GVGD) all suggest that this variant is likely to be tolerated. ClinVar contains an entry for this variant (Variation ID: 960579). This variant has not been reported in the literature in individuals affected with NFAT5-related conditions. This variant is not present in population databases (gnomAD no frequency). This sequence change replaces isoleucine, which is neutral and non-polar, with valine, which is neutral and non-polar, at codon 1312 of the NFAT5 protein (p.Ile1312Val).